The following is an entry in ClinVar:

ClinVar aggregate classification (germline): Pathogenic/Likely pathogenic. Review status: criteria provided, multiple submitters, no conflicts (2 of 4 stars). 6 submissions from 6 submitters: Pathogenic (1); Likely pathogenic (4). 1 of the submissions does not count toward it. Last evaluated 2025-06-23.

Conditions:
CDH23-related disorder. Also called: CDH23-related disorders; CDH23-related condition.
Pituitary adenoma 5, multiple types. Identifiers: MedGen C4539685, MONDO:0054601, OMIM 617540.
Autosomal recessive nonsyndromic hearing loss 12. Also called: DEAFNESS, AUTOSOMAL RECESSIVE 12. Identifiers: Orphanet 90636, MedGen C1832394, MONDO:0011067, OMIM 601386.
Usher syndrome type 1D (USH1D). Also called: USHER SYNDROME, TYPE ID. Identifiers: Orphanet 231169, Orphanet 886, MedGen C1832845, MONDO:0010984, OMIM 601067.
Hearing loss, autosomal recessive. Also called: Rare autosomal recessive non-syndromic sensorineural deafness type DFNB; Deafness, autosomal recessive; Nonsyndromic Hearing Loss, Recessive; Autosomal recessive nonsyndromic deafness. Identifiers: Orphanet 90635, Orphanet 90636, MedGen C1846647, MONDO:0019588, OMIM 607197.
Usher syndrome type 1 (USH1). Also called: RETINITIS PIGMENTOSA AND CONGENITAL DEAFNESS. Identifiers: Orphanet 231169, Orphanet 886, MedGen C1568247, MONDO:0010168, OMIM 276900.

Allele frequency attached by ClinVar (database versions not stated): gnomAD 0.00001; gnomAD exomes 0.00001 and 0.00003; TOPMed 0.00001; ExAC 0.00005.
gnomAD v4.1: 21 of 1,600,552 alleles (0.0013%); highest among the groups gnomAD compares: South Asian, 0.017%; no homozygotes.

Submissions (6):

Natera, Inc.
Classification: Likely pathogenic for Usher syndrome type 1. Last evaluated: 2025-06-23. Review status: criteria provided, single submitter. Criteria: Natera Variant Classification Schema (03/2026). Collection method: clinical testing. Allele origin: germline.
Comment: The c.7814A>G variant in CDH23 is a missense variant predicted to cause substitution of asparagine to serine at amino acid 2605. This variant is rare in the general population with a frequency below the threshold expected for the associated phenotype(s). This variant has been observed in one or more individuals affected with the associated recessive disease, as either homozygous or compound heterozygous with a second variant (PMID: 34171171, 33269433, 27573290). Additionally, this variant has been observed to segregate in affected family members (PMID: 30303587). Computational prediction algorithms indicate this variant is likely to affect gene or protein function. Given the available evidence, this variant is classified as Likely Pathogenic.

Baylor Genetics
Classification: Likely pathogenic for Pituitary adenoma 5, multiple types. Last evaluated: 2024-03-20. Review status: criteria provided, single submitter. Criteria: ACMG Guidelines, 2015. Collection method: clinical testing. Allele origin: unknown.

Labcorp Genetics (formerly Invitae), Labcorp
Classification: Pathogenic. Last evaluated: 2023-04-13. Review status: criteria provided, single submitter. Criteria: Invitae Variant Classification Sherloc (09022015). Collection method: clinical testing. Allele origin: germline.
Comment: For these reasons, this variant has been classified as Pathogenic. Advanced modeling of protein sequence and biophysical properties (such as structural, functional, and spatial information, amino acid conservation, physicochemical variation, residue mobility, and thermodynamic stability) has been performed at Invitae for this missense variant, however the output from this modeling did not meet the statistical confidence thresholds required to predict the impact of this variant on CDH23 protein function. ClinVar contains an entry for this variant (Variation ID: 862821). This missense change has been observed in individual(s) with deafness (PMID: 27573290, 30303587). It has also been observed to segregate with disease in related individuals. This variant is present in population databases (rs780917129, gnomAD 0.02%). This sequence change replaces asparagine, which is neutral and polar, with serine, which is neutral and polar, at codon 2605 of the CDH23 protein (p.Asn2605Ser).

Blueprint Genetics
Classification: Likely pathogenic for CDH23-related disorders. Last evaluated: 2022-08-18. Review status: criteria provided, single submitter. Criteria: ACMG Guidelines, 2015. Collection method: clinical testing. Allele origin: germline. Affected: yes. Observed: 1 variant allele.

Juno Genomics, Hangzhou Juno Genomics, Inc
Classification: Likely pathogenic for Usher syndrome type 1D; Pituitary adenoma 5, multiple types; Autosomal recessive nonsyndromic hearing loss 12. Review status: criteria provided, single submitter. Criteria: ACMG Guidelines, 2015. Collection method: clinical testing. Allele origin: germline.
Comment: Absent from controls (or at extremely low frequency if recessive) in Genome Aggregation Database.;Multiple lines of computational evidence support a deleterious effect on the gene or gene product.;Co-segregation with disease in multiple affected family members.;For recessive disorders, detected in trans with a pathogenic variant.

University of Washington Center for Mendelian Genomics, University of Washington
Classification: Likely pathogenic for non-syndromic autosomal recessive hearing loss. Review status: no assertion criteria provided. Collection method: research. Allele origin: inherited. Affected: yes. Not counted in ClinVar's aggregate classification.

Literature cited by the submitters: PubMed 34171171 (cited by Natera, Inc.); PubMed 33269433 (cited by Natera, Inc.); PubMed 27573290 (cited by Natera, Inc. and Labcorp Genetics (formerly Invitae), Labcorp); PubMed 30303587 (cited by 3 submitters).

NM_022124.6(CDH23):c.7814A>G (p.Asn2605Ser)

Gene: CDH23 (cadherin related 23; plus strand). Cytogenetic location: 10q22.1.
Variant type: single nucleotide variant.
Coding change: c.7814A>G on transcript NM_022124.6 (MANE Select); coding-DNA position 7814, A replaced by G.
Protein change: p.Asn2605Ser; replaces asparagine 2605 with serine.
Molecular consequence: missense variant.
Genome position (GRCh38, 1-based): chr10:71,803,362, A>G. VCF-style: chr10-71803362-A-G. GRCh37 (hg19) VCF-style: chr10-73563119-A-G.
Other names: c.1094A>G, p.Asn365Ser (NM_001171933.1, NM_001171934.1); short protein forms N2605S, N365S.
Identifiers: ClinVar variation 862821 (VCV000862821.15), dbSNP rs780917129, ClinGen allele CA5546441.